The following is an entry in ClinVar:

ClinVar aggregate classification (germline): Uncertain significance. Review status: criteria provided, multiple submitters, no conflicts (2 of 4 stars). 2 submissions from 2 submitters: Uncertain significance (2). Last evaluated 2025-03-01.

Conditions:
Inborn genetic diseases. Identifiers: MedGen C0950123, MeSH D030342.

Allele frequency attached by ClinVar (database versions not stated): gnomAD exomes 0.00003; gnomAD 0.00005 and 0.00006; TOPMed 0.00010; ExAC 0.00012.

Submissions (2):

Labcorp Genetics (formerly Invitae), Labcorp
Classification: Uncertain significance. Last evaluated: 2025-03-01. Review status: criteria provided, single submitter. Criteria: Invitae Variant Classification Sherloc (09022015). Collection method: clinical testing. Allele origin: germline.
Comment: This sequence change replaces arginine, which is basic and polar, with glutamine, which is neutral and polar, at codon 797 of the TONSL protein (p.Arg797Gln). This variant is present in population databases (rs376067225, gnomAD 0.04%). This variant has not been reported in the literature in individuals affected with TONSL-related conditions. ClinVar contains an entry for this variant (Variation ID: 1435050). Invitae Evidence Modeling of protein sequence and biophysical properties (such as structural, functional, and spatial information, amino acid conservation, physicochemical variation, residue mobility, and thermodynamic stability) indicates that this missense variant is not expected to disrupt TONSL protein function with a negative predictive value of 80%. In summary, the available evidence is currently insufficient to determine the role of this variant in disease. Therefore, it has been classified as a Variant of Uncertain Significance.

Ambry Genetics
Classification: Uncertain significance for Inborn genetic diseases. Last evaluated: 2022-08-17. Review status: criteria provided, single submitter. Criteria: Ambry Variant Classification Scheme 2023. Collection method: clinical testing. Allele origin: germline.

NM_013432.5(TONSL):c.2390G>A (p.Arg797Gln)

Genes: TONSL (tonsoku like, DNA repair protein; minus strand), TONSL-AS1 (TONSL antisense RNA 1; plus strand). Cytogenetic location: 8q24.3.
Variant type: single nucleotide variant.
Coding change: c.2390G>A on transcript NM_013432.5 (MANE Select); coding-DNA position 2390, G replaced by A.
Protein change: p.Arg797Gln; replaces arginine 797 with glutamine.
Molecular consequence: missense variant.
Genome position (GRCh38, 1-based): chr8:144,436,043, C>T on the plus strand (G>A on the coding strand, the complement: TONSL is on the minus strand). VCF-style: chr8-144436043-C-T. GRCh37 (hg19) VCF-style: chr8-145661426-C-T.
Other names: c.2390G>A (NM_013432.4); short protein forms R797Q.
Identifiers: ClinVar variation 1435050 (VCV001435050.7), dbSNP rs376067225, ClinGen allele CA4942845.
Genomic context (GRCh38, chr8:144,436,043, plus strand): 5'-GCTTTGCTGTGGCCCCGCGGTGGGCCAGGCCCCAGCCGGCTCTGAGCACTGCCCACACCC[C>T]GGATGGCTGCCTGGTAGGCTGCCCGGCTGGTGCTGGCTGTGGCTGCTTCCCTGTTGCTGG-3'
Protein context (NP_038460.4, residues 787-807): TSRAAYQAAI[Arg797Gln]GVGSAQSRLG